The following is an entry in ClinVar:

NM_138409.4(MRAP2):c.424G>T (p.Val142Phe)

Gene: MRAP2 (melanocortin 2 receptor accessory protein 2; plus strand). Cytogenetic location: 6q14.2.
Variant type: single nucleotide variant.
Coding change: c.424G>T on transcript NM_138409.4 (MANE Select); coding-DNA position 424, G replaced by T.
Protein change: p.Val142Phe; replaces valine 142 with phenylalanine.
Molecular consequence: missense variant.
Genome position (GRCh38, 1-based): chr6:84,089,287, G>T. VCF-style: chr6-84089287-G-T. GRCh37 (hg19) VCF-style: chr6-84799006-G-T.
Other names: c.166G>T, p.Val56Phe (NM_001346541.2); c.424G>T, p.Val142Phe (NM_001346542.2, NM_001346544.2); c.259G>T, p.Val87Phe (NM_001346543.2); short protein forms V87F, V142F, V56F.
Identifiers: ClinVar variation 4998956 (VCV004998956.1).
Genomic context (GRCh38, chr6:84,089,287, plus strand): 5'-GAGGTGGAACGCTTGGACAGAGCCAAAGCTTGTCACCAGACCACAGCCCTTGACAGTGAC[G>T]TCCAACTCCAGGAAGCCATCAGAAGCAGTGGGCAGCCAGAGGAGGAGCTGAACAGGCTCA-3'
Protein context (NP_612418.2, residues 132-152): CHQTTALDSD[Val142Phe]QLQEAIRSSG

ClinVar aggregate classification (germline): Uncertain significance (1 of 4 stars; one submission).

Conditions:
MRAP2-related disorder. Also called: MRAP2-related condition.

Submission:

PreventionGenetics, part of Exact Sciences
Classification: Uncertain significance for MRAP2-related condition. Last evaluated: 2025-11-07. Review status: criteria provided, single submitter. Criteria: ACMG Guidelines, 2015. Collection method: clinical testing. Allele origin: germline.
Comment: The MRAP2 c.424G>T variant is predicted to result in the amino acid substitution p.Val142Phe. To our knowledge, this variant has not been reported in the literature or in a large population database (gnomAD), indicating this variant is rare. At this time, the clinical significance of this variant is uncertain due to the absence of conclusive functional and genetic evidence.